The following is an entry in ClinVar:

ClinVar aggregate classification (germline): Uncertain significance (1 of 4 stars; one submission).

Conditions:
Hereditary cancer-predisposing syndrome. Also called: Neoplastic Syndromes, Hereditary; Tumor predisposition; Hereditary Cancer Syndrome; Hereditary neoplastic syndrome. Identifiers: Orphanet 140162, MedGen C0027672, MeSH D009386, MONDO:0015356.

Submission:

Ambry Genetics
Classification: Uncertain significance for Hereditary cancer-predisposing syndrome. Last evaluated: 2013-03-20. Review status: criteria provided, single submitter. Criteria: Ambry Autosomal Dominant and X-Linked criteria (10/2015). Collection method: clinical testing. Allele origin: germline. Observed: 1 variant allele.
Comment: There is insufficient or conflicting evidence for classification of this alteration.

NM_000179.3(MSH6):c.4054A>C (p.Lys1352Gln)

Gene: MSH6 (mutS homolog 6; plus strand). Cytogenetic location: 2p16.3.
Variant type: single nucleotide variant.
Coding change: c.4054A>C on transcript NM_000179.3 (MANE Select); coding-DNA position 4054, A replaced by C.
Protein change: p.Lys1352Gln; replaces lysine 1352 with glutamine.
Molecular consequence: missense variant.
Genome position (GRCh38, 1-based): chr2:47,806,831, A>C. VCF-style: chr2-47806831-A-C. GRCh37 (hg19) VCF-style: chr2-48033970-A-C.
Other names: c.3664A>C, p.Lys1222Gln (NM_001281492.2); c.3148A>C, p.Lys1050Gln (NM_001281493.2, NM_001281494.2); short protein forms K1352Q, K1222Q, K1050Q.
Identifiers: ClinVar variation 142210 (VCV000142210.3), dbSNP rs587782309, ClinGen allele CA015349.